The following is an entry in ClinVar:

ClinVar aggregate classification (germline): Uncertain significance (1 of 4 stars; one submission).

Conditions:
Duchenne muscular dystrophy (DMD). Also called: MUSCULAR DYSTROPHY, PSEUDOHYPERTROPHIC PROGRESSIVE, DUCHENNE TYPE; Duchenne Muscular Dystrophy (DMD). Identifiers: Orphanet 98896, MedGen C0013264, MONDO:0010679, OMIM 310200.

Submission:

Labcorp Genetics (formerly Invitae), Labcorp
Classification: Uncertain significance for Duchenne muscular dystrophy. Last evaluated: 2025-07-01. Review status: criteria provided, single submitter. Criteria: Invitae Variant Classification Sherloc (09022015). Collection method: clinical testing. Allele origin: germline.
Comment: This sequence change replaces serine, which is neutral and polar, with threonine, which is neutral and polar, at codon 733 of the DMD protein (p.Ser733Thr). This variant is not present in population databases (gnomAD no frequency). This variant has not been reported in the literature in individuals affected with DMD-related conditions. Invitae Evidence Modeling of protein sequence and biophysical properties (such as structural, functional, and spatial information, amino acid conservation, physicochemical variation, residue mobility, and thermodynamic stability) indicates that this missense variant is not expected to disrupt DMD protein function with a negative predictive value of 95%. In summary, the available evidence is currently insufficient to determine the role of this variant in disease. Therefore, it has been classified as a Variant of Uncertain Significance.

NM_004006.3(DMD):c.2198G>C (p.Ser733Thr)

Gene: DMD (dystrophin; minus strand). Cytogenetic location: Xp21.1.
Variant type: single nucleotide variant.
Coding change: c.2198G>C on transcript NM_004006.3 (MANE Select); coding-DNA position 2198, G replaced by C.
Protein change: p.Ser733Thr; replaces serine 733 with threonine.
Molecular consequence: missense variant.
Genome position (GRCh38, 1-based): chrX:32,518,102, C>G on the plus strand (G>C on the coding strand, the complement: DMD is on the minus strand). VCF-style: chrX-32518102-C-G. GRCh37 (hg19) VCF-style: chrX-32536219-C-G.
Other names: c.2174G>C, p.Ser725Thr (NM_000109.4); c.2186G>C, p.Ser729Thr (NM_004009.3); c.1829G>C, p.Ser610Thr (NM_004010.3); short protein forms S610T, S725T, S729T, S733T.
Identifiers: ClinVar variation 4745261 (VCV004745261.1).